The following is an entry in ClinVar:

ClinVar aggregate classification (germline): Conflicting classifications of pathogenicity. Review status: criteria provided, conflicting classifications (1 of 4 stars). 3 submissions from 3 submitters: Likely pathogenic (2); Uncertain significance (1). Last evaluated 2025-09-08.

Conditions:
Hereditary cancer-predisposing syndrome. Also called: Hereditary neoplastic syndrome; Neoplastic Syndromes, Hereditary; Tumor predisposition; Hereditary Cancer Syndrome. Identifiers: Orphanet 140162, MedGen C0027672, MeSH D009386, MONDO:0015356.

Allele frequency attached by ClinVar (database versions not stated): gnomAD exomes below 0.00001 and 0.00001.
gnomAD v4.1: 8 of 1,614,086 alleles (0.0005%); highest among the groups gnomAD compares: Non-Finnish European, 0.00059%; no homozygotes.

Submissions (3):

Labcorp Genetics (formerly Invitae), Labcorp
Classification: Uncertain significance. Last evaluated: 2025-09-08. Review status: criteria provided, single submitter. Criteria: Invitae Variant Classification Sherloc (09022015). Collection method: clinical testing. Allele origin: germline.
Comment: This sequence change replaces glutamic acid, which is acidic and polar, with lysine, which is basic and polar, at codon 53 of the FH protein (p.Glu53Lys). This variant is present in population databases (no rsID available, gnomAD 0.0009%). This missense change has been observed in individual(s) with pheochromocytoma (PMID: 25004247). ClinVar contains an entry for this variant (Variation ID: 214428). Invitae Evidence Modeling of protein sequence and biophysical properties (such as structural, functional, and spatial information, amino acid conservation, physicochemical variation, residue mobility, and thermodynamic stability) indicates that this missense variant is expected to disrupt FH protein function with a positive predictive value of 95%. Experimental studies have shown that this missense change affects FH function (PMID: 25004247). In summary, the available evidence is currently insufficient to determine the role of this variant in disease. Therefore, it has been classified as a Variant of Uncertain Significance.

Ambry Genetics
Classification: Likely pathogenic for Hereditary cancer-predisposing syndrome. Last evaluated: 2024-08-19. Review status: criteria provided, single submitter. Criteria: Ambry Variant Classification Scheme 2023. Collection method: clinical testing. Allele origin: germline.
Comment: The p.E53K variant (also known as c.157G>A), located in coding exon 2 of the FH gene, results from a G to A substitution at nucleotide position 157. The glutamic acid at codon 53 is replaced by lysine, an amino acid with similar properties. In addition, this alteration has been observed in at least one individual with a personal and/or family history that is consistent with FH-related disease (Ambry internal data). A functional study reported this alteration as unable to rescue normal activity, resulting in intracellular fumarate accumulation in an Fh-deficient murine cell model (Clark GR et al. J. Clin. Endocrinol. Metab., 2014 Oct;99:E2046-50). This amino acid position is highly conserved in available vertebrate species. In addition, this alteration is predicted to be deleterious by in silico analysis. Based on the majority of available evidence to date, this variant is likely to be pathogenic.

Quest Diagnostics Nichols Institute San Juan Capistrano
Classification: Likely pathogenic. Last evaluated: 2023-04-20. Review status: criteria provided, single submitter. Criteria: Quest Diagnostics criteria. Collection method: clinical testing. Allele origin: unknown.
Comment: The frequency of this variant in the general population, 0.000004 (1/251350 chromosomes), is uninformative in assessment of its pathogenicity. In the published literature, the variant has been reported in a patient with unilateral pheochromocytoma (PCC) (PMID: 25004247 (2014)). An experimental study reported this variant failed to reduce fumarate levels in vitro (PMID: 25004247 (2014)). Analysis of this variant using bioinformatics tools for the prediction of the effect of amino acid changes on protein structure and function yielded predictions that this variant is damaging. Based on the available information, this variant is classified as likely pathogenic.

Literature cited by the submitters: PubMed 25004247 (cited by 3 submitters).

NM_000143.4(FH):c.157G>A (p.Glu53Lys)

Gene: FH (fumarate hydratase; minus strand). Cytogenetic location: 1q43.
Variant type: single nucleotide variant.
Coding change: c.157G>A on transcript NM_000143.4 (MANE Select); coding-DNA position 157, G replaced by A.
Protein change: p.Glu53Lys; replaces glutamic acid 53 with lysine.
Molecular consequence: missense variant.
Genome position (GRCh38, 1-based): chr1:241,517,292, C>T on the plus strand (G>A on the coding strand, the complement: FH is on the minus strand). VCF-style: chr1-241517292-C-T. GRCh37 (hg19) VCF-style: chr1-241680592-C-T.
Other names: short protein forms E53K.
Identifiers: ClinVar variation 214428 (VCV000214428.12), dbSNP rs863224013, ClinGen allele CA322588.